The following is an entry in ClinVar:

NM_182961.4(SYNE1):c.2414C>T (p.Pro805Leu)

Gene: SYNE1 (spectrin repeat containing nuclear envelope protein 1; minus strand). Cytogenetic location: 6q25.2.
Variant type: single nucleotide variant.
Coding change: c.2414C>T on transcript NM_182961.4 (MANE Select); coding-DNA position 2414, C replaced by T.
Protein change: p.Pro805Leu; replaces proline 805 with leucine.
Molecular consequence: missense variant.
Genome position (GRCh38, 1-based): chr6:152,458,911, G>A on the plus strand (C>T on the coding strand, the complement: SYNE1 is on the minus strand). VCF-style: chr6-152458911-G-A. GRCh37 (hg19) VCF-style: chr6-152780046-G-A.
Other names: c.2435C>T, p.Pro812Leu (NM_033071.5); short protein forms P805L, P812L.
Identifiers: ClinVar variation 1311099 (VCV001311099.4), dbSNP rs201508577, ClinGen allele CA4059138.

ClinVar aggregate classification (germline): Uncertain significance. Review status: criteria provided, multiple submitters, no conflicts (2 of 4 stars). 2 submissions from 2 submitters: Uncertain significance (2). Last evaluated 2022-06-20.

Allele frequency attached by ClinVar (database versions not stated): TOPMed 0.00002; gnomAD 0.00003; 1000 Genomes Project 0.00040; 1000 Genomes Project 30x 0.00047.
gnomAD v4.1: 43 of 1,613,936 alleles (0.0027%); highest among the groups gnomAD compares: East Asian, 0.091%; no homozygotes.

Submissions (2):

Revvity Omics, Revvity
Classification: Uncertain significance. Last evaluated: 2022-06-20. Review status: criteria provided, single submitter. Criteria: ACMG Guidelines, 2015. Collection method: clinical testing. Allele origin: germline.

GeneDx
Classification: Uncertain significance. Last evaluated: 2019-12-12. Review status: criteria provided, single submitter. Criteria: GeneDx Variant Classification Process June 2021. Collection method: clinical testing. Allele origin: germline. Affected: yes.
Comment: In silico analysis, which includes protein predictors and evolutionary conservation, supports a deleterious effect; Has not been previously published as pathogenic or benign to our knowledge